The following is an entry in ClinVar:

ClinVar aggregate classification (germline): Uncertain significance. Review status: criteria provided, multiple submitters, no conflicts (2 of 4 stars). 2 submissions from 2 submitters: Uncertain significance (2). Last evaluated 2025-11-26.

Conditions:
Inborn genetic diseases. Identifiers: MedGen C0950123, MeSH D030342.
Ulnar-mammary syndrome (UMS). Also called: SCHINZEL SYNDROME; PALLISTER ULNAR-MAMMARY SYNDROME; Ulnar-mammary syndrome of Pallister. Identifiers: Orphanet 3138, MedGen C1866994, MONDO:0008411, OMIM 181450.

Allele frequency attached by ClinVar (database versions not stated): ExAC 0.00001; gnomAD 0.00001; gnomAD exomes 0.00001; TOPMed 0.00002.

Submissions (2):

Ambry Genetics
Classification: Uncertain significance for Inborn genetic diseases. Last evaluated: 2025-11-26. Review status: criteria provided, single submitter. Criteria: Ambry Variant Classification Scheme 2023. Collection method: clinical testing. Allele origin: germline.

Labcorp Genetics (formerly Invitae), Labcorp
Classification: Uncertain significance for Ulnar-mammary syndrome. Last evaluated: 2025-04-17. Review status: criteria provided, single submitter. Criteria: Invitae Variant Classification Sherloc (09022015). Collection method: clinical testing. Allele origin: germline.
Comment: This sequence change replaces alanine, which is neutral and non-polar, with valine, which is neutral and non-polar, at codon 336 of the TBX3 protein (p.Ala336Val). This variant is present in population databases (rs765766538, gnomAD 0.02%). This variant has not been reported in the literature in individuals affected with TBX3-related conditions. ClinVar contains an entry for this variant (Variation ID: 2159054). An algorithm developed to predict the effect of missense changes on protein structure and function (PolyPhen-2) suggests that this variant is likely to be tolerated. In summary, the available evidence is currently insufficient to determine the role of this variant in disease. Therefore, it has been classified as a Variant of Uncertain Significance.

NM_005996.4(TBX3):c.1007C>T (p.Ala336Val)

Gene: TBX3 (T-box transcription factor 3; minus strand). Cytogenetic location: 12q24.21.
Variant type: single nucleotide variant.
Coding change: c.1007C>T on transcript NM_005996.4 (MANE Select); coding-DNA position 1007, C replaced by T.
Protein change: p.Ala336Val; replaces alanine 336 with valine.
Molecular consequence: missense variant.
Genome position (GRCh38, 1-based): chr12:114,676,345, G>A on the plus strand (C>T on the coding strand, the complement: TBX3 is on the minus strand). VCF-style: chr12-114676345-G-A. GRCh37 (hg19) VCF-style: chr12-115114150-G-A.
Other names: c.1067C>T, p.Ala356Val (NM_016569.4); c.1007C>T (NM_005996.3); short protein forms A356V, A336V.
Identifiers: ClinVar variation 2159054 (VCV002159054.5), dbSNP rs765766538, ClinGen allele CA6810038.